The following is an entry in ClinVar:

NM_000535.7(PMS2):c.364A>C (p.Ile122Leu)

Gene: PMS2 (PMS1 homolog 2, mismatch repair system component; minus strand). Cytogenetic location: 7p22.1.
Variant type: single nucleotide variant.
Coding change: c.364A>C on transcript NM_000535.7 (MANE Select); coding-DNA position 364, A replaced by C.
Protein change: p.Ile122Leu; replaces isoleucine 122 with leucine.
Molecular consequence: missense variant. On other transcripts: 5 prime UTR variant (8), non-coding transcript variant (1).
Genome position (GRCh38, 1-based): chr7:6,002,626, T>G on the plus strand (A>C on the coding strand, the complement: PMS2 is on the minus strand). VCF-style: chr7-6002626-T-G. GRCh37 (hg19) VCF-style: chr7-6042257-T-G.
Other names: c.-42A>C (NM_001322003.2, NM_001322004.2, NM_001322005.2 and 3 more transcripts); c.364A>C, p.Ile122Leu (NM_001322006.2, NM_001322014.2); c.46A>C, p.Ile16Leu (NM_001322007.2, NM_001322008.2); c.-521A>C (NM_001322011.2, NM_001322012.2); c.55A>C, p.Ile19Leu (NM_001322015.2); short protein forms I122L, I16L, I19L.
Identifiers: ClinVar variation 185323 (VCV000185323.31), dbSNP rs761748894, ClinGen allele CA011998.

ClinVar aggregate classification (germline): Uncertain significance. Review status: criteria provided, multiple submitters, no conflicts (2 of 4 stars). 10 submissions from 10 submitters: Uncertain significance (9). 1 of the submissions does not count toward it. Last evaluated 2026-02-03.

Conditions:
Hereditary nonpolyposis colorectal neoplasms. Identifiers: MedGen C0009405, MeSH D003123.
Hereditary cancer-predisposing syndrome. Also called: Hereditary neoplastic syndrome; Neoplastic Syndromes, Hereditary; Tumor predisposition; Hereditary Cancer Syndrome. Identifiers: Orphanet 140162, MedGen C0027672, MeSH D009386, MONDO:0015356.
Lynch syndrome. Identifiers: Orphanet 144, MedGen C4552100, MONDO:0005835. Disease mechanism: loss of function.
Lynch syndrome 4 (LYNCH4). Also called: Hereditary non-polyposis colorectal cancer, type 4; Colorectal cancer, hereditary nonpolyposis, type 4. Identifiers: Orphanet 144, MedGen C1838333, MONDO:0013699, OMIM 614337. Disease mechanism: loss of function.

Allele frequency attached by ClinVar (database versions not stated): TOPMed 0.00002; gnomAD 0.00003.

Submissions (10):

Labcorp Genetics (formerly Invitae), Labcorp
Classification: Uncertain significance for Hereditary nonpolyposis colorectal neoplasms. Last evaluated: 2026-02-03. Review status: criteria provided, single submitter. Criteria: Invitae Variant Classification Sherloc (09022015). Collection method: clinical testing. Allele origin: germline.
Comment: This sequence change replaces isoleucine, which is neutral and non-polar, with leucine, which is neutral and non-polar, at codon 122 of the PMS2 protein (p.Ile122Leu). This variant is present in population databases (rs761748894, gnomAD 0.003%). This variant has not been reported in the literature in individuals affected with PMS2-related conditions. ClinVar contains an entry for this variant (Variation ID: 185323). Invitae Evidence Modeling incorporating data from in vitro experimental studies (internal data) indicates that this missense variant is not expected to disrupt PMS2 function with a negative predictive value of 95%. In summary, the available evidence is currently insufficient to determine the role of this variant in disease. Therefore, it has been classified as a Variant of Uncertain Significance.

Color Diagnostics, LLC DBA Color Health
Classification: Uncertain significance for Hereditary cancer-predisposing syndrome. Last evaluated: 2025-07-15. Review status: criteria provided, single submitter. Criteria: ACMG Guidelines, 2015. Collection method: clinical testing. Allele origin: germline.
Comment: This missense variant replaces isoleucine with leucine at codon 122 of the PMS2 protein. Computational prediction is inconclusive regarding the impact of this variant on protein structure and function. To our knowledge, functional studies have not been reported for this variant. This variant has been reported in an individual affected with thyroid cancer (PMID: 29684080). This variant has been identified in 3/251142 chromosomes in the general population by the Genome Aggregation Database (gnomAD). The available evidence is insufficient to determine the role of this variant in disease conclusively. Therefore, this variant is classified as a Variant of Uncertain Significance.

Center for Genomic Medicine, Rigshospitalet, Copenhagen University Hospital
Classification: Uncertain significance. Last evaluated: 2025-03-04. Review status: criteria provided, single submitter. Criteria: ACMG Guidelines, 2015. Collection method: clinical testing. Allele origin: germline.

Ambry Genetics
Classification: Uncertain significance for Hereditary cancer-predisposing syndrome. Last evaluated: 2024-10-25. Review status: criteria provided, single submitter. Criteria: Ambry Variant Classification Scheme 2023. Collection method: clinical testing. Allele origin: germline.

All of Us Research Program, National Institutes of Health
Classification: Uncertain significance for Lynch syndrome. Last evaluated: 2024-05-09. Review status: criteria provided, single submitter. Criteria: ACMG Guidelines, 2015. Collection method: clinical testing. Allele origin: germline. Inheritance: Autosomal dominant inheritance. Observed: 4 variant alleles, 4 heterozygotes.
Comment: This missense variant replaces isoleucine with leucine at codon 122 of the PMS2 protein. Computational prediction is inconclusive regarding the impact of this variant on protein structure and function (internally defined REVEL score threshold 0.5 < inconclusive < 0.7, PMID: 27666373). To our knowledge, functional studies have not been reported for this variant. This variant has been reported in an individual affected with thyroid cancer (PMID: 29684080). This variant has been identified in 3/251142 chromosomes in the general population by the Genome Aggregation Database (gnomAD). The available evidence is insufficient to determine the role of this variant in disease conclusively. Therefore, this variant is classified as a Variant of Uncertain Significance.

This study involves interpretation of variants in research participants for the purpose of population health screening. Participant phenotype was not available at the time of variant classification. Additional details can be found in publication PMID: 35346344, PMCID: PMC8962531

Women's Health and Genetics/Laboratory Corporation of America, LabCorp
Classification: Uncertain significance. Last evaluated: 2023-12-11. Review status: criteria provided, single submitter. Criteria: LabCorp Variant Classification Summary - May 2015. Collection method: clinical testing. Allele origin: germline.

GeneDx
Classification: Uncertain significance. Last evaluated: 2023-10-20. Review status: criteria provided, single submitter. Criteria: GeneDx Variant Classification Process June 2021. Collection method: clinical testing. Allele origin: germline. Affected: yes.
Comment: Not observed at significant frequency in large population cohorts (gnomAD); In silico analysis supports that this missense variant does not alter protein structure/function; Identified in an individual with colorectal cancer (Yehia et al., 2018); This variant is associated with the following publications: (PMID: 11574484, 36446894, 29684080)

Myriad Genetics, Inc.
Classification: Uncertain significance for Lynch syndrome 4. Last evaluated: 2023-04-04. Review status: criteria provided, single submitter. Criteria: Myriad Autosomal Dominant, Autosomal Recessive and X-Linked Classification Criteria (2023). Collection method: clinical testing. Allele origin: unknown.
Comment: This variant is classified as a variant of uncertain significance as there is insufficient evidence to determine its impact on protein function and/or cancer risk.

Quest Diagnostics Nichols Institute San Juan Capistrano
Classification: Uncertain significance. Last evaluated: 2021-07-19. Review status: criteria provided, single submitter. Criteria: Quest Diagnostics criteria. Collection method: clinical testing. Allele origin: unknown.

Counsyl
Classification: Uncertain significance for Lynch syndrome 4. Last evaluated: 2018-02-06. Review status: no assertion criteria provided. Collection method: clinical testing. Allele origin: unknown. Not counted in ClinVar's aggregate classification.

Literature cited by the submitters: PubMed 29684080 (cited by Color Diagnostics, LLC DBA Color Health and All of Us Research Program, National Institutes of Health).